The following is an entry in ClinVar:

NM_001447.3(FAT2):c.5477C>T (p.Ser1826Leu)

Genes: FAT2 (FAT atypical cadherin 2; minus strand), SLC36A1 (solute carrier family 36 member 1; plus strand). Cytogenetic location: 5q33.1.
Variant type: single nucleotide variant.
Coding change: c.5477C>T on transcript NM_001447.3 (MANE Select); coding-DNA position 5477, C replaced by T.
Protein change: p.Ser1826Leu; replaces serine 1826 with leucine.
Molecular consequence: missense variant.
Genome position (GRCh38, 1-based): chr5:151,545,650, G>A on the plus strand (C>T on the coding strand, the complement: FAT2 is on the minus strand). VCF-style: chr5-151545650-G-A. GRCh37 (hg19) VCF-style: chr5-150925211-G-A.
Other names: short protein forms S1826L.
Identifiers: ClinVar variation 2055103 (VCV002055103.25), dbSNP rs151015689, ClinGen allele CA3521278.
Genomic context (GRCh38, chr5:151,545,650, plus strand): 5'-CCTTGGTCATGGACATAGACACAGAATTGGAAAGAGGGCATGCTCTCATAATCCATCTCT[G>A]ATACAATGGTTAGGGTTCCCATGCTGGGATCAATTTTGAAAAACTTCAAGGCCTCCGGCT-3'
Protein context (NP_001438.1, residues 1816-1836): DPSMGTLTIV[Ser1826Leu]EMDYESMPSF

ClinVar aggregate classification (germline): Conflicting classifications of pathogenicity. Review status: criteria provided, conflicting classifications (1 of 4 stars). 3 submissions from 3 submitters: Uncertain significance (1); Benign (1); Likely benign (1). Last evaluated 2026-02-01.

Allele frequency attached by ClinVar (database versions not stated): 1000 Genomes Project 30x 0.00016; 1000 Genomes Project 0.00020; ESP Exome Variant Server 0.00023; gnomAD 0.00040; TOPMed 0.00052; gnomAD exomes 0.00058; ExAC 0.00060.
gnomAD v4.1: 944 of 1,614,150 alleles (0.058%); highest among the groups gnomAD compares: Middle Eastern, 0.099%; 4 homozygotes.

Submissions (3):

CeGaT Center for Human Genetics Tuebingen
Classification: Likely benign. Last evaluated: 2026-02-01. Review status: criteria provided, single submitter. Criteria: CeGaT Center For Human Genetics Tuebingen Variant Classification Criteria Version 2. Collection method: clinical testing. Allele origin: germline. Affected: yes. Observed: 2 variant alleles.
Comment: FAT2: BP4, BS1

Labcorp Genetics (formerly Invitae), Labcorp
Classification: Benign. Last evaluated: 2025-07-24. Review status: criteria provided, single submitter. Criteria: Invitae Variant Classification Sherloc (09022015). Collection method: clinical testing. Allele origin: germline.

Ambry Genetics
Classification: Uncertain significance. Last evaluated: 2021-09-01. Review status: criteria provided, single submitter. Criteria: Ambry Variant Classification Scheme 2023. Collection method: clinical testing. Allele origin: germline.